The following is an entry in ClinVar:

NM_020987.5(ANK3):c.644C>T (p.Thr215Met)

Gene: ANK3 (ankyrin 3; minus strand). Cytogenetic location: 10q21.2.
Variant type: single nucleotide variant.
Coding change: c.644C>T on transcript NM_020987.5 (MANE Select); coding-DNA position 644, C replaced by T.
Protein change: p.Thr215Met; replaces threonine 215 with methionine.
Molecular consequence: missense variant.
Genome position (GRCh38, 1-based): chr10:60,263,890, G>A on the plus strand (C>T on the coding strand, the complement: ANK3 is on the minus strand). VCF-style: chr10-60263890-G-A. GRCh37 (hg19) VCF-style: chr10-62023648-G-A.
Other names: c.626C>T, p.Thr209Met (NM_001204403.2); c.593C>T, p.Thr198Met (NM_001204404.2); c.644C>T, p.Thr215Met (NM_001320874.2); short protein forms T209M, T215M, T198M.
Identifiers: ClinVar variation 2986368 (VCV002986368.3), dbSNP rs749828718, ClinGen allele CA5513365.

ClinVar aggregate classification (germline): Uncertain significance (1 of 4 stars; one submission).

Allele frequency attached by ClinVar (database versions not stated): ExAC 0.00001; gnomAD 0.00001; TOPMed 0.00001; gnomAD exomes 0.00003.
gnomAD v4.1: 38 of 1,613,936 alleles (0.0024%); highest among the groups gnomAD compares: Non-Finnish European, 0.0031%; no homozygotes.

Submission:

Labcorp Genetics (formerly Invitae), Labcorp
Classification: Uncertain significance. Last evaluated: 2023-09-25. Review status: criteria provided, single submitter. Criteria: Invitae Variant Classification Sherloc (09022015). Collection method: clinical testing. Allele origin: germline.
Comment: This sequence change replaces threonine, which is neutral and polar, with methionine, which is neutral and non-polar, at codon 215 of the ANK3 protein (p.Thr215Met). In summary, the available evidence is currently insufficient to determine the role of this variant in disease. Therefore, it has been classified as a Variant of Uncertain Significance. Advanced modeling of protein sequence and biophysical properties (such as structural, functional, and spatial information, amino acid conservation, physicochemical variation, residue mobility, and thermodynamic stability) performed at Invitae indicates that this missense variant is not expected to disrupt ANK3 protein function. This variant has not been reported in the literature in individuals affected with ANK3-related conditions. This variant is present in population databases (rs749828718, gnomAD 0.003%).